The following is an entry in ClinVar:

NM_002485.5(NBN):c.2250A>T (p.Leu750Phe)

Gene: NBN (nibrin; minus strand). Cytogenetic location: 8q21.3.
Variant type: single nucleotide variant.
Coding change: c.2250A>T on transcript NM_002485.5 (MANE Select); coding-DNA position 2250, A replaced by T.
Protein change: p.Leu750Phe; replaces leucine 750 with phenylalanine.
Molecular consequence: missense variant.
Genome position (GRCh38, 1-based): chr8:89,935,597, T>A on the plus strand (A>T on the coding strand, the complement: NBN is on the minus strand). VCF-style: chr8-89935597-T-A. GRCh37 (hg19) VCF-style: chr8-90947825-T-A.
Other names: c.2004A>T, p.Leu668Phe (NM_001024688.3); short protein forms L750F, L668F.
Identifiers: ClinVar variation 461550 (VCV000461550.11), dbSNP rs1554553868, ClinGen allele CA371674690.

ClinVar aggregate classification (germline): Uncertain significance. Review status: criteria provided, multiple submitters, no conflicts (2 of 4 stars). 2 submissions from 2 submitters: Uncertain significance (2). Last evaluated 2021-08-17.

Conditions:
Hereditary cancer-predisposing syndrome. Also called: Hereditary neoplastic syndrome; Neoplastic Syndromes, Hereditary; Tumor predisposition; Hereditary Cancer Syndrome. Identifiers: Orphanet 140162, MedGen C0027672, MeSH D009386, MONDO:0015356.
Microcephaly, normal intelligence and immunodeficiency (NBS). Also called: IMMUNODEFICIENCY, MICROCEPHALY, AND CHROMOSOMAL INSTABILITY; SEEMANOVA SYNDROME II; Nijmegen breakage syndrome; Microcephaly with normal intelligence immunodeficiency and lymphoreticular malignancies; Nonsyndromal microcephaly autosomal recessive with normal intelligence; Seemanova syndrome 2. Identifiers: Orphanet 647, MedGen C0398791, MONDO:0009623, OMIM 251260.

Allele frequency attached by ClinVar (database versions not stated): gnomAD exomes below 0.00001.

Submissions (2):

Ambry Genetics
Classification: Uncertain significance for Hereditary cancer-predisposing syndrome. Last evaluated: 2021-08-17. Review status: criteria provided, single submitter. Criteria: Ambry Variant Classification Scheme 2023. Collection method: clinical testing. Allele origin: germline.
Comment: The p.L750F variant (also known as c.2250A>T), located in coding exon 16 of the NBN gene, results from an A to T substitution at nucleotide position 2250. The leucine at codon 750 is replaced by phenylalanine, an amino acid with highly similar properties. This amino acid position is conserved. In addition, this alteration is predicted to be tolerated by in silico analysis. Since supporting evidence is limited at this time, the clinical significance of this alteration remains unclear.

Labcorp Genetics (formerly Invitae), Labcorp
Classification: Uncertain significance for Microcephaly, normal intelligence and immunodeficiency. Last evaluated: 2017-07-19. Review status: criteria provided, single submitter. Criteria: Invitae Variant Classification Sherloc (09022015). Collection method: clinical testing. Allele origin: germline.
Comment: This variant is not present in population databases (ExAC no frequency). This sequence change replaces leucine with phenylalanine at codon 750 of the NBN protein (p.Leu750Phe). The leucine residue is weakly conserved and there is a small physicochemical difference between leucine and phenylalanine. This variant has not been reported in the literature in individuals with NBN-related disease. In summary, the available evidence is currently insufficient to determine the role of this variant in disease. Therefore, it has been classified as a Variant of Uncertain Significance. Algorithms developed to predict the effect of missense changes on protein structure and function (SIFT, PolyPhen-2, Align-GVGD) all suggest that this variant is likely to be tolerated, but these predictions have not been confirmed by published functional studies and their clinical significance is uncertain.